The following is an entry in ClinVar:

ClinVar aggregate classification (germline): Uncertain significance (1 of 4 stars; one submission).

Allele frequency attached by ClinVar (database versions not stated): ExAC 0.00002; gnomAD 0.00003; TOPMed 0.00003; gnomAD exomes 0.00004.
gnomAD v4.1: 71 of 1,613,806 alleles (0.0044%); highest among the groups gnomAD compares: African/African-American, 0.0053%; no homozygotes.

Submission:

CeGaT Center for Human Genetics Tuebingen
Classification: Uncertain significance. Last evaluated: 2022-11-01. Review status: criteria provided, single submitter. Criteria: CeGaT Center For Human Genetics Tuebingen Variant Classification Criteria Version 2. Collection method: clinical testing. Allele origin: germline. Affected: yes. Observed: 1 variant allele.
Comment: VWF: PM2, BP4

NM_000552.5(VWF):c.4049C>T (p.Ala1350Val)

Gene: VWF (von Willebrand factor; minus strand). Cytogenetic location: 12p13.31.
Variant type: single nucleotide variant.
Coding change: c.4049C>T on transcript NM_000552.5 (MANE Select); coding-DNA position 4049, C replaced by T.
Protein change: p.Ala1350Val; replaces alanine 1350 with valine.
Molecular consequence: missense variant.
Genome position (GRCh38, 1-based): chr12:6,019,369, G>A on the plus strand (C>T on the coding strand, the complement: VWF is on the minus strand). VCF-style: chr12-6019369-G-A. GRCh37 (hg19) VCF-style: chr12-6128535-G-A.
Other names: short protein forms A1350V.
Identifiers: ClinVar variation 2642607 (VCV002642607.24), dbSNP rs764155969, ClinGen allele CA6402616.